The following is an entry in ClinVar:

NM_032043.3(BRIP1):c.2701A>G (p.Asn901Asp)

Gene: BRIP1 (BRCA1 interacting DNA helicase 1; minus strand). Cytogenetic location: 17q23.2.
Variant type: single nucleotide variant.
Coding change: c.2701A>G on transcript NM_032043.3 (MANE Select); coding-DNA position 2701, A replaced by G.
Protein change: p.Asn901Asp; replaces asparagine 901 with aspartic acid.
Molecular consequence: missense variant.
Genome position (GRCh38, 1-based): chr17:61,686,040, T>C on the plus strand (A>G on the coding strand, the complement: BRIP1 is on the minus strand). VCF-style: chr17-61686040-T-C. GRCh37 (hg19) VCF-style: chr17-59763401-T-C.
Other names: short protein forms N901D.
Identifiers: ClinVar variation 3228112 (VCV003228112.1), dbSNP rs2544572870, ClinGen allele CA400481711.

ClinVar aggregate classification (germline): Uncertain significance (1 of 4 stars; one submission).

Conditions:
Hereditary cancer-predisposing syndrome. Also called: Neoplastic Syndromes, Hereditary; Tumor predisposition; Hereditary neoplastic syndrome; Hereditary Cancer Syndrome. Identifiers: Orphanet 140162, MedGen C0027672, MeSH D009386, MONDO:0015356.

Submission:

Ambry Genetics
Classification: Uncertain significance for Hereditary cancer-predisposing syndrome. Last evaluated: 2023-11-12. Review status: criteria provided, single submitter. Criteria: Ambry Variant Classification Scheme 2023. Collection method: clinical testing. Allele origin: germline.
Comment: The p.N901D variant (also known as c.2701A>G), located in coding exon 18 of the BRIP1 gene, results from an A to G substitution at nucleotide position 2701. The asparagine at codon 901 is replaced by aspartic acid, an amino acid with highly similar properties. This amino acid position is conserved. In addition, this alteration is predicted to be tolerated by in silico analysis. Since supporting evidence is limited at this time, the clinical significance of this alteration remains unclear.